The following is an entry in ClinVar:

NM_003673.4(TCAP):c.134C>T (p.Thr45Ile)

Gene: TCAP (titin-cap; plus strand). Cytogenetic location: 17q12.
Variant type: single nucleotide variant.
Coding change: c.134C>T on transcript NM_003673.4 (MANE Select); coding-DNA position 134, C replaced by T.
Protein change: p.Thr45Ile; replaces threonine 45 with isoleucine.
Molecular consequence: missense variant.
Genome position (GRCh38, 1-based): chr17:39,665,739, C>T. VCF-style: chr17-39665739-C-T. GRCh37 (hg19) VCF-style: chr17-37821992-C-T.
Other names: short protein forms T45I.
Identifiers: ClinVar variation 2196297 (VCV002196297.4), dbSNP rs1181877244, ClinGen allele CA399303570.

ClinVar aggregate classification (germline): Uncertain significance (1 of 4 stars; one submission).

Conditions:
Hypertrophic cardiomyopathy 25 (CMH25). Also called: CARDIOMYOPATHY, FAMILIAL HYPERTROPHIC, 25. Identifiers: MedGen C4225408, MONDO:0011843, OMIM 607487.
Primary familial hypertrophic cardiomyopathy (HCM). Identifiers: Orphanet 99739, MedGen C0949658, MeSH D024741, MONDO:0024573. Inheritance: Various modes of inheritance.

Allele frequency attached by ClinVar (database versions not stated): gnomAD exomes below 0.00001.
gnomAD v4.1: 2 of 1,610,876 alleles (0.00012%); highest among the groups gnomAD compares: Admixed American, 0.0033%; no homozygotes.

Submission:

Labcorp Genetics (formerly Invitae), Labcorp
Classification: Uncertain significance for Hypertrophic cardiomyopathy 25; Primary familial hypertrophic cardiomyopathy. Last evaluated: 2025-04-19. Review status: criteria provided, single submitter. Criteria: Invitae Variant Classification Sherloc (09022015). Collection method: clinical testing. Allele origin: germline.
Comment: This sequence change replaces threonine, which is neutral and polar, with isoleucine, which is neutral and non-polar, at codon 45 of the TCAP protein (p.Thr45Ile). The frequency data for this variant in the population databases is considered unreliable, as metrics indicate poor data quality at this position in the gnomAD database. This variant has not been reported in the literature in individuals affected with TCAP-related conditions. ClinVar contains an entry for this variant (Variation ID: 2196297). An algorithm developed to predict the effect of missense changes on protein structure and function (PolyPhen-2) suggests that this variant is likely to be tolerated. In summary, the available evidence is currently insufficient to determine the role of this variant in disease. Therefore, it has been classified as a Variant of Uncertain Significance.